The following is an entry in ClinVar:

ClinVar aggregate classification (germline): Conflicting classifications of pathogenicity. Review status: criteria provided, conflicting classifications (1 of 4 stars). 3 submissions from 3 submitters: Uncertain significance (1); Likely benign (2). Last evaluated 2024-03-14.

Conditions:
Congenital glaucoma. Identifiers: MedGen C0020302, MONDO:0020366.
Inborn genetic diseases. Identifiers: MedGen C0950123, MeSH D030342.

Allele frequency attached by ClinVar (database versions not stated): 1000 Genomes Project 30x 0.00047; gnomAD exomes 0.00007; ExAC 0.00009; TOPMed 0.00029; ESP Exome Variant Server 0.00031; gnomAD 0.00036 and 0.00039; 1000 Genomes Project 0.00040.

Submissions (3):

Labcorp Genetics (formerly Invitae), Labcorp
Classification: Likely benign for Congenital glaucoma. Last evaluated: 2024-03-14. Review status: criteria provided, single submitter. Criteria: Invitae Variant Classification Sherloc (09022015). Collection method: clinical testing. Allele origin: germline.

Ambry Genetics
Classification: Likely benign for Inborn genetic diseases. Last evaluated: 2022-11-10. Review status: criteria provided, single submitter. Criteria: Ambry Variant Classification Scheme 2023. Collection method: clinical testing. Allele origin: germline.

Dubai Health Genomic Medicine Center, Dubai Health
Classification: Uncertain significance. Last evaluated: 2020-09-06. Review status: criteria provided, single submitter. Criteria: ACMG Guidelines, 2015. Collection method: clinical testing. Allele origin: germline. Affected: yes.
Comment: The p.Gly306Glu missense variant in CYP1B1 has not been previously reported in affected individuals but was identified in 31/24344 (0.13%) African alleles in the Genome Aggregation Database (gnomAD). Computational prediction tools and conservation analysis do no suggest an impact to protein function though this information is not predictive enough to rule out pathogenicity. In summary more information is needed to full determine the clinical significance of this variant.

NM_000104.4(CYP1B1):c.917G>A (p.Gly306Glu)

Gene: CYP1B1 (cytochrome P450 family 1 subfamily B member 1; minus strand). Cytogenetic location: 2p22.2.
Variant type: single nucleotide variant.
Coding change: c.917G>A on transcript NM_000104.4 (MANE Select); coding-DNA position 917, G replaced by A.
Protein change: p.Gly306Glu; replaces glycine 306 with glutamic acid.
Molecular consequence: missense variant.
Genome position (GRCh38, 1-based): chr2:38,074,472, C>T on the plus strand (G>A on the coding strand, the complement: CYP1B1 is on the minus strand). VCF-style: chr2-38074472-C-T. GRCh37 (hg19) VCF-style: chr2-38301615-C-T.
Other names: short protein forms G306E.
Identifiers: ClinVar variation 1154591 (VCV001154591.12), dbSNP rs372321135, ClinGen allele CA1619935.